The following is an entry in ClinVar:

ClinVar aggregate classification (germline): Uncertain significance. Review status: criteria provided, multiple submitters, no conflicts (2 of 4 stars). 2 submissions from 2 submitters: Uncertain significance (2). Last evaluated 2026-08-06.

Conditions:
Cardiomyopathy (CMYO). Also called: Cardiomyopathies. Identifiers: Orphanet 167848, MedGen C0878544, MONDO:0004994, HP:0001638. Inheritance: Various modes of inheritance.
MYH7-related skeletal myopathy. Also called: Laing early-onset distal myopathy; Myopathy, distal, 1; MYOPATHY, DISTAL, EARLY-ONSET, AUTOSOMAL DOMINANT; MYOPATHY, LATE DISTAL HEREDITARY; Laing distal myopathy. Identifiers: Orphanet 59135, MedGen C4552004, MONDO:0008050, OMIM 160500.

Allele frequency attached by ClinVar (database versions not stated): gnomAD exomes below 0.00001.
gnomAD v4.1: 1 of 1,614,138 alleles (0.000062%); highest among the groups gnomAD compares: Non-Finnish European, 0.000085%; no homozygotes.

Submissions (2):

OLLIN Analises Genomicas, OLLIN
Classification: Uncertain significance for MYH7-related skeletal myopathy. Last evaluated: 2026-08-06. Review status: criteria provided, single submitter. Criteria: ACMG Guidelines 2015 PMID 25741868. Collection method: clinical testing. Allele origin: germline. Inheritance: Autosomal dominant inheritance.
Comment: This missense variant, located in exon 16 (of 40), has been reported in ClinVar (accession VCV000922962.5) and in gnomAD with an allele frequency of 0.000062%. However, to our knowledge, it has not been reported in the scientific literature. In silico analysis predicts that this variant has a deleterious effect. This variant is located in a region considered to be a mutational hotspot. According to the currently available evidence, this variant has been classified as uncertain significance (PM1, PM2_P, PP3).

Color Diagnostics, LLC DBA Color Health
Classification: Uncertain significance for Cardiomyopathy. Last evaluated: 2023-12-04. Review status: criteria provided, single submitter. Criteria: ACMG Guidelines, 2015. Collection method: clinical testing. Allele origin: germline.
Comment: Variant of Uncertain Significance due to insufficient evidence: This missense variant replaces methionine with threonine at codon 531 of the MYH7 protein. Computational prediction tools and conservation analyses are inconclusive regarding the impact of this variant on the protein function. Computational splicing tools suggest that this variant may not impact RNA splicing. To our knowledge, functional assays have not been performed for this variant nor has this variant been reported in individuals affected with cardiovascular disorders in the literature. This variant is rare in the general population and has been identified in 0/277264 chromosomes by the Genome Aggregation Database (gnomAD). Available evidence is insufficient to determine the role of this variant in disease conclusively.

NM_000257.4(MYH7):c.1592T>C (p.Met531Thr)

Gene: MYH7 (myosin heavy chain 7; minus strand). Cytogenetic location: 14q11.2.
Variant type: single nucleotide variant.
Coding change: c.1592T>C on transcript NM_000257.4 (MANE Select); coding-DNA position 1592, T replaced by C.
Protein change: p.Met531Thr; replaces methionine 531 with threonine.
Molecular consequence: missense variant.
Genome position (GRCh38, 1-based): chr14:23,427,881, A>G on the plus strand (T>C on the coding strand, the complement: MYH7 is on the minus strand). VCF-style: chr14-23427881-A-G. GRCh37 (hg19) VCF-style: chr14-23897090-A-G.
Other names: short protein forms M531T.
Identifiers: ClinVar variation 922962 (VCV000922962.6), dbSNP rs1892758684, ClinGen allele CA389050240.